The following is an entry in ClinVar:

NM_002772.3(TMPRSS15):c.2944A>G (p.Arg982Gly)

Gene: TMPRSS15 (transmembrane serine protease 15; minus strand). Cytogenetic location: 21q21.1.
Variant type: single nucleotide variant.
Coding change: c.2944A>G on transcript NM_002772.3 (MANE Select); coding-DNA position 2944, A replaced by G.
Protein change: p.Arg982Gly; replaces arginine 982 with glycine.
Molecular consequence: missense variant.
Genome position (GRCh38, 1-based): chr21:18,270,085, T>C on the plus strand (A>G on the coding strand, the complement: TMPRSS15 is on the minus strand). VCF-style: chr21-18270085-T-C. GRCh37 (hg19) VCF-style: chr21-19642402-T-C.
Other names: short protein forms R982G.
Identifiers: ClinVar variation 2040424 (VCV002040424.3), dbSNP rs2516472581, ClinGen allele CA409847174.
Genomic context (GRCh38, chr21:18,270,085, plus strand): 5'-CGGGGCGATTAGGCAGGGCACACTTGTATCCAAATGAGGTCACACCAGCAAGGAACCACC[T>C]GTTGTTTTCTTGGCACATTAATGGTCCTCCTGAATCCCCCTAAAGAGTGAATTGCAAAAC-3'
Protein context (NP_002763.3, residues 972-992): GGPLMCQENN[Arg982Gly]WFLAGVTSFG

ClinVar aggregate classification (germline): Uncertain significance (1 of 4 stars; one submission).

Submission:

Labcorp Genetics (formerly Invitae), Labcorp
Classification: Uncertain significance. Last evaluated: 2022-08-23. Review status: criteria provided, single submitter. Criteria: Invitae Variant Classification Sherloc (09022015). Collection method: clinical testing. Allele origin: germline.
Comment: In summary, the available evidence is currently insufficient to determine the role of this variant in disease. Therefore, it has been classified as a Variant of Uncertain Significance. Algorithms developed to predict the effect of missense changes on protein structure and function are either unavailable or do not agree on the potential impact of this missense change (SIFT: "Not Available"; PolyPhen-2: "Possibly Damaging"; Align-GVGD: "Not Available"). This variant has not been reported in the literature in individuals affected with TMPRSS15-related conditions. This variant is not present in population databases (gnomAD no frequency). This sequence change replaces arginine, which is basic and polar, with glycine, which is neutral and non-polar, at codon 982 of the TMPRSS15 protein (p.Arg982Gly).